The following is an entry in ClinVar:

NM_001356.5(DDX3X):c.573_575del (p.Ile191del)

Gene: DDX3X (DEAD-box helicase 3 X-linked; plus strand). Cytogenetic location: Xp11.4.
Variant type: Deletion.
Coding change: c.573_575del on transcript NM_001356.5 (MANE Select); coding-DNA positions 573 to 575, 3 bases deleted (CAT; older notation c.573_575delCAT).
Protein change: p.Ile191del; deletes isoleucine 191.
Molecular consequence: inframe deletion. On other transcripts: non-coding transcript variant (1).
Genome position (GRCh38, 1-based): chrX:41,343,245-41,343,247, CAT deleted; deleting any 3 consecutive bases within chrX:41,343,243-41,343,247 gives the same sequence; the c. name uses the placement nearest the transcript's 3' end. VCF-style (leftmost placement, unchanged base first): chrX-41343242-TATC-T. GRCh37 (hg19) VCF-style: chrX-41202495-TATC-T.
Other names: c.573_575del, p.Ile191del (NM_001193416.3); c.525_527del, p.Ile175del (NM_001193417.3); c.15_17del, p.Ile5del (NM_001363819.1); short protein forms I175del, I191del, I5del.
Identifiers: ClinVar variation 4292467 (VCV004292467.1).
Genomic context (GRCh38, chrX:41,343,242, plus strand): 5'-ATAGCATTCCTAACCCCATTGAATTTCTTAACAGTTCAGTGATGTTGAGATGGGAGAAAT[TATC>T]ATGGGAAACATTGAGCTTACTCGTTATACTCGCCCAACTCCAGTGCAAAAGCATGCTATT-3'

ClinVar aggregate classification (germline): Likely pathogenic (1 of 4 stars; one submission).

Conditions:
Intellectual disability, X-linked 102 (MRXSSB). Also called: Intellectual developmental disorder, X-linked syndromic, Snijders Blok type. Identifiers: Orphanet 457260, MedGen C5393299, MONDO:0010497, OMIM 300958.

Submission:

3billion
Classification: Likely pathogenic for Intellectual disability, X-linked 102. Last evaluated: 2024-10-29. Review status: criteria provided, single submitter. Criteria: ACMG Guidelines, 2015. Collection method: clinical testing. Allele origin: germline. Affected: yes.
Comment: The variant is not observed in the gnomAD v4.1.0 dataset. Predicted Consequence/Location: Inframe deletion located in a nonrepeat region: predicted to change the length of the protein and disrupt normal protein function. The variant has been previously reported as de novo in a similarly affected individual (PMID: 30349862). The variant has been reported to be associated with DDX3X-related disorder (PMID: 30349862). Therefore, this variant is classified as Likely pathogenic according to the recommendation of ACMG/AMP guideline.

Literature cited by the submitters: PubMed 30349862.